The following continues an entry in ClinVar:

NM_000492.4(CFTR):c.1327G>T (p.Asp443Tyr)

ClinVar aggregate classification (germline): Conflicting classifications of pathogenicity. Pathogenic (9); Likely pathogenic (13); Uncertain significance (4).

Submissions 11 to 20 of 28:

Genome Diagnostics Laboratory, The Hospital for Sick Children
Classification: Uncertain significance for Cystic fibrosis. Last evaluated: 2023-07-13. Review status: criteria provided, single submitter. Criteria: ACMG Guidelines, 2015. Collection method: clinical testing. Allele origin: germline. Affected: yes.
Comment: This missense variant results in a change of aspartic acid to tyrosine at position 443, and in silico programs predict this variant to be damaging. This variant has been previously reported as a simplex or complex allele (Asp443Tyr;Gly576Ala;Arg668Cys) in patients with classic cystic fibrosis or CFTR-related disorders as well as controls (PMID: 20021716; PMID: 21520337; PMID: 22678879; PMID: 23951356). Functional studies suggest that this variant alters CFTR maturation and leads to moderate reduction (53.2% of wild-type) in the CFTR function. However, this level of residual function is not consistent with classic cystic fibrosis (PMID: 22678879; PMID: 29805046). This variant is observed at an allele frequency of 0.058% in populations of the Genome Aggregation Database (gnomAD). Based on the evidence, this variant is classified as a variant of uncertain significance (VUS) in the context of classical cystic fibrosis and as pathogenic in the context of CFTR-related disorders, when it is observed in cis with the Gly576Ala and Arg668Cys variants as a complex allele. This variant should be interpreted in the context of clinical findings, family history and other experimental data. (ACMG criteria - PM3, PM2, PP3)

Revvity Omics, Revvity
Classification: Likely pathogenic. Last evaluated: 2023-07-06. Review status: criteria provided, single submitter. Criteria: ACMG Guidelines, 2015. Collection method: clinical testing. Allele origin: germline.

Institute of Human Genetics, University of Leipzig Medical Center
Classification: Likely pathogenic for Cystic fibrosis. Last evaluated: 2022-09-05. Review status: criteria provided, single submitter. Criteria: ACMG Guidelines, 2015. Collection method: curation. Allele origin: unknown. Affected: yes. Observed: 1 variant allele.
Comment: The variant was classified in the context of a project re-classifying variants in the German Cystic Fibrosis Registry (Muko.e.V.). Criteria applied: PS3_MOD, PM3_STR, PP3

Dasa
Classification: Pathogenic for Cystic fibrosis. Last evaluated: 2022-03-05. Review status: criteria provided, single submitter. Criteria: ACMG Guidelines, 2015. Collection method: clinical testing. Allele origin: germline. Affected: yes. Observed: 1 variant allele.
Comment: Well-established in vitro or in vivo functional studies supportive of a damaging effect on the gene or gene product (PMID: 22678879; 29805046) - PS3_supporting.The c.1327G>T;p.(Asp443Tyr) missense variant has been observed in affected individual(s) and ClinVar contains an entry for this variant (ClinVar ID: 53229; PMID: 21520337; PMID: 10922395; PMID: 22678879; PMID: 23951356; PMID: 15126740; PMID: 32512765; PMID: 32172930) - PS4. The variant is located in a mutational hot spot and/or critical and well-established functional domain (ABC_tran) - PM1. The variant is present at low allele frequencies population databases (rs147422190 – gnomAD 0.002595%; ABraOM 0.000854 frequency) - PM2_supporting. The p.(Asp443Tyr) was detected in trans with a pathogenic variant (PMID: 21520337) - PM3. The variant co-segregated with disease in multiple affected family members (PMID: 25133958; 20186691) - PP1. Multiple lines of computational evidence support a deleterious effect on the gene or gene product - PP3. The variant was observed in trans with a pathogenic variant for a fully penetrant dominant gene/disorder or observed in cis with a pathogenic variant in any inheritance pattern - (PMID: 21520337) - BP2. In summary, the currently available evidence indicates that the variant is pathogenic.

Genome-Nilou Lab
Classification: Pathogenic for Cystic fibrosis. Last evaluated: 2021-07-22. Review status: criteria provided, single submitter. Criteria: ACMG Guidelines, 2015. Collection method: clinical testing. Allele origin: germline. Affected: no.

Sema4
Classification: Uncertain significance for Hereditary pancreatitis. Last evaluated: 2021-04-23. Review status: criteria provided, single submitter. Criteria: Sema4 Curation Guidelines. Collection method: curation. Allele origin: germline.
Comment: The CFTR c.1327G>T (p.D443Y) variant has been reported in individuals with various CFTR-related diseases such as congenital bilateral absence of the vas deferens (CBAVD), idiopathic pancreatitis, diffuse bronchiectasis, fecal bowel anomalies, as well as healthy individuals. In many cases the variant was observed in cis with p.G576A and p.R668C (PMID: 10200050, 26946416, 32172930, 22678879). In silico tools suggest the impact of the variant on protein function is deleterious, though functional studies have only shown moderately decreased expression (PMID: 29805046, 22678879). This variant was observed in 60/123724 chromosomes in the European (Non-Finnish) population, with no homozygotes, according to the Genome Aggregation Database (PMID: 32461654). This variant has been reported in ClinVar (Variation ID: 53229). Based on the current evidence available, this variant is unlikely to be causative of classic CF. However, its contribution to the development of a CFTR-related disorder as an isolated variant or as a component of the haplotype D443Y/G576A/R668C remains uncertain. Therefore, this variant is interpreted as a variant of uncertain significance.

Johns Hopkins Genomics, Johns Hopkins University
Classification: Likely pathogenic for Cystic fibrosis. Last evaluated: 2020-08-20. Review status: criteria provided, single submitter. Criteria: ACMG Guidelines, 2015. Collection method: clinical testing. Allele origin: germline.
Comment: CFTR variant associated with varying clinical consequence. See CFTR2 for phenotype information.

ARUP Laboratories, Molecular Genetics and Genomics, ARUP Laboratories
Classification: Pathogenic. Last evaluated: 2020-07-17. Review status: criteria provided, single submitter. Criteria: ARUP Molecular Germline Variant Investigation Process. Collection method: clinical testing. Allele origin: germline.
Comment: The CFTR c.1327G>T; p.Asp443Tyr variant (rs147422190), is described in the literature in several individuals with CBAVD who carry a pathogenic severe variant on the opposite allele (de Meeus 1998). This variant is often associated with other variants in cis (G576A, R668C) as a complex allele, and as such is reported to cause a wide range of symptoms including individuals who are asymptomatic even with a pathogenic severe allele on the opposite chromosome, CBAVD, idiopathic pancreatitis, disseminated bronchiectasis, fetal bowel anomaly, and chronic sinus disease (El-Seedy 2012). This variant is classified as a variant of varying clinical consequences in the CFTR2 database (see link), and is reported in ClinVar (Variation ID: 53229). It is found in the general European population with an allele frequency of 0.05% (60/123724 alleles) in the Genome Aggregation Database, but may be a low quality site in this database. The aspartate at codon 443 is moderately conserved, and computational analyses (SIFT, PolyPhen-2) predict that this variant may be deleterious. Based on available information, this variant is considered to be mildly pathogenic for CFTR-related disorders. References: CFTR2 database: de Meeus A et al. Genetic findings in congenital bilateral aplasia of vas deferens patients and identification of six novel mutatations. Mutations in brief no. 138. Online. Hum Mutat. 1998;11(6):480. El-Seedy A et al. CFTR mutation combinations producing frequent complex alleles with different clinical and functional outcomes. Hum Mutat. 2012 Nov;33(11):1557-65.

AiLife Diagnostics
Classification: Likely pathogenic. Last evaluated: 2020-07-09. Review status: criteria provided, single submitter. Criteria: ACMG Guidelines, 2015. Collection method: clinical testing. Allele origin: germline. Affected: yes. Observed: 1 variant allele.

Women's Health and Genetics/Laboratory Corporation of America, LabCorp
Classification: Pathogenic for Cystic fibrosis. Last evaluated: 2020-02-25. Review status: criteria provided, single submitter. Criteria: LabCorp Variant Classification Summary - May 2015. Collection method: clinical testing. Allele origin: germline. Inheritance: Autosomal recessive inheritance.
Comment: Variant summary: CFTR c.1327G>T (p.Asp443Tyr) results in a non-conservative amino acid change located in the ABC transporter-like domain of the encoded protein sequence. Five of five in-silico tools predict a damaging effect of the variant on protein function. The variant allele was found at a frequency of 0.00026 in 242986 control chromosomes. This frequency is not significantly higher than expected for a pathogenic variant in CFTR causing Classic or Non-Classic Cystic Fibrosis, allowing no conclusion about variant significance. This variant has also been reported to form a haplotype with two other variants, namely, c.1727G>C (p.Gly576Ala) and c.2002C>T (p.Arg668Cys). This complex haplotype c.[1327G>T;1727G>C;2002C>T] (p.[Asp443Tyr;Gly576Ala;Arg668Cys]), has been reported to be pathogenic for CFTR-RD. When ascertained conservatively for its occurrence in isolation, c.1327G>T alone (without the complex haplotype) has been reported in the literature in a compound heterozygous state with other pathogenic CFTR alleles in multiple individuals affected with features of sweat chloride positive classic Cystic Fibrosis, Non-classic Cystic Fibrosis such as CBAVD and settings of infertility (example, Claustres_2000, Steiner_2011, Viville_2000, Morea_2005). However, non-reporting of the other two variants that would constitute a complex allele in these reports cannot be entirely ruled out. Nevertheless, these data indicate that this variant is very likely to be associated with disease. Several publications report experimental evidence evaluating an impact on protein function in isolation as well as part of the complex haplotype. The most pronounced isolated variant effect reports conflicting findings between studies ranging from no effect (El-Seedy_2012) to intermediate levels (Raraigh_2018) of chloride channel function (approximately 50% of WT levels) and a moderate alteration of CFTR maturation and localization (El-Seedy_2012). In one of these studies, the authors concluded that the combination of p.Gly576Ala and p.Arg668Cys affecting chloride channel activity coupled with p.Asp443Tyr effecting protein maturation would account for the pathogenicity of the overall haplotype (El-Seedy_2012). In contrast however, c.1727G>C and c.2002C>T have been reported as non-CF causing in isolation based on a large study evaluating the functional consequences of CFTR variants (Sosnay_2013). Six clinical diagnostic laboratories have submitted clinical-significance assessments for this variant to ClinVar after 2014 without evidence for independent evaluation (Pathogenic, n=2, Likely pathogenic, n=3, and VUS, n=1). Some of these submitters have cited overlapping evidence utilized in the context of this evaluation. Based on the evidence outlined above, the variant in isolation was classified as pathogenic for CFTR-related disorders.